The following is an entry in ClinVar:

NM_001110556.2(FLNA):c.7344T>C (p.Ala2448=)

Gene: FLNA (filamin A; minus strand). Cytogenetic location: Xq28.
Variant type: single nucleotide variant.
Coding change: c.7344T>C on transcript NM_001110556.2 (MANE Select); coding-DNA position 7344, T replaced by C.
Protein change: p.Ala2448=; no amino-acid change (alanine 2448 retained).
Molecular consequence: synonymous variant.
Genome position (GRCh38, 1-based): chrX:154,349,857, A>G on the plus strand (T>C on the coding strand, the complement: FLNA is on the minus strand). VCF-style: chrX-154349857-A-G. GRCh37 (hg19) VCF-style: chrX-153578225-A-G.
Other names: c.7320T>C, p.Ala2440= (NM_001456.4).
Identifiers: ClinVar variation 4887494 (VCV004887494.1).

ClinVar aggregate classification (germline): Likely benign (1 of 4 stars; one submission).

Submission:

Women's Health and Genetics/Laboratory Corporation of America, LabCorp
Classification: Likely benign. Last evaluated: 2026-06-29. Review status: criteria provided, single submitter. Criteria: LabCorp Variant Classification Summary - May 2015. Collection method: clinical testing. Allele origin: germline.
Comment: Variant summary: FLNA c.7344T>C results in a synonymous change. Consensus agreement among computation tools predict no significant impact on normal splicing. However, these predictions have yet to be confirmed by functional studies. The variant was absent in 178894 control chromosomes. The available data on variant occurrences in the general population are insufficient to allow any conclusion about variant significance. To our knowledge, no occurrence of c.7344T>C in individuals affected with FLNA-related conditions and no experimental evidence demonstrating its impact on protein function have been reported. No submitters have cited clinical-significance assessments for this variant to ClinVar. Based on the evidence outlined above, the variant was classified as likely benign.